The following is an entry in ClinVar:

ClinVar aggregate classification (germline): Pathogenic (1 of 4 stars; one submission).

Conditions:
Cardiovascular phenotype. Identifiers: MedGen CN230736.
Hereditary cancer-predisposing syndrome. Also called: Neoplastic Syndromes, Hereditary; Tumor predisposition; Hereditary Cancer Syndrome; Hereditary neoplastic syndrome. Identifiers: Orphanet 140162, MedGen C0027672, MeSH D009386, MONDO:0015356.

Submission:

Ambry Genetics
Classification: Pathogenic for Cardiovascular phenotype; Hereditary cancer-predisposing syndrome. Last evaluated: 2026-05-11. Review status: criteria provided, single submitter. Criteria: Ambry Variant Classification Scheme 2023. Collection method: clinical testing. Allele origin: germline.
Comment: The c.21_22insT pathogenic mutation, located in coding exon 1 of the LZTR1 gene, results from an insertion of one nucleotide at position 21, causing a translational frameshift with a predicted alternate stop codon (p.G8Wfs*26). This variant is considered to be rare based on population cohorts in the Genome Aggregation Database (gnomAD). This alteration is expected to result in loss of function by premature protein truncation or nonsense-mediated mRNA decay. Loss-of-function variants in LZTR1 are related to an increased risk for schwannomas and autosomal recessive Noonan syndrome; however, such associations with autosomal dominant Noonan syndrome have not been observed (Piotrowski A et al. Nat Genet. 2014 Feb;46:182-7; Yamamoto GL et al. J Med Genet. 2015 Jun;52:413-21; Johnston JJ et al. Genet Med. 2018 10;20:1175-1185). Based on the supporting evidence, this variant is pathogenic for an increased risk of LZTR1-related schwannomatosis (SWN) and would be expected to cause autosomal recessive Noonan syndrome when present along with a second pathogenic or likely pathogenic variant on the other allele; however, the association of this variant with autosomal dominant Noonan syndrome is unlikely.

NM_006767.4(LZTR1):c.21_22insT (p.Gly8fs)

Genes: LZTR1 (leucine zipper like post translational regulator 1; plus strand), LOC130067016 (ATAC-STARR-seq lymphoblastoid silent region 13504; plus strand). Cytogenetic location: 22q11.21.
Variant type: Insertion.
Coding change: c.21_22insT on transcript NM_006767.4 (MANE Select); coding-DNA positions 21 to 22, T inserted.
Protein change: p.Gly8fs; shifts the reading frame from glycine 8.
Molecular consequence: frameshift variant.
Genome position: GRCh38 VCF-style: chr22-20982392-G-GT. GRCh37 (hg19) VCF-style: chr22-21336681-G-GT.
Other names: short protein forms G8fs.
Identifiers: ClinVar variation 4859399 (VCV004859399.1).